The following is an entry in ClinVar:

ClinVar aggregate classification (germline): Uncertain significance (1 of 4 stars; one submission).

Submission:

Ambry Genetics
Classification: Uncertain significance. Last evaluated: 2023-12-14. Review status: criteria provided, single submitter. Criteria: Ambry Variant Classification Scheme 2023. Collection method: clinical testing. Allele origin: germline.
Comment: The p.T942R variant (also known as c.2825C>G), located in coding exon 16 of the POLQ gene, results from a C to G substitution at nucleotide position 2825. The threonine at codon 942 is replaced by arginine, an amino acid with similar properties. This amino acid position is conserved. In addition, this alteration is predicted to be tolerated by in silico analysis. Since supporting evidence is limited at this time, the clinical significance of this alteration remains unclear.

NM_199420.4(POLQ):c.2825C>G (p.Thr942Arg)

Gene: POLQ (DNA polymerase theta; minus strand). Cytogenetic location: 3q13.33.
Variant type: single nucleotide variant.
Coding change: c.2825C>G on transcript NM_199420.4 (MANE Select); coding-DNA position 2825, C replaced by G.
Protein change: p.Thr942Arg; replaces threonine 942 with arginine.
Molecular consequence: missense variant.
Genome position (GRCh38, 1-based): chr3:121,490,106, G>C on the plus strand (C>G on the coding strand, the complement: POLQ is on the minus strand). VCF-style: chr3-121490106-G-C. GRCh37 (hg19) VCF-style: chr3-121208953-G-C.
Other names: short protein forms T942R.
Identifiers: ClinVar variation 3229896 (VCV003229896.1), dbSNP rs1000693658, ClinGen allele CA354104405.
Genomic context (GRCh38, chr3:121,490,106, plus strand): 5'-CTTTTATTTAAGTCTTGCACTATATTTGGTGAATGCTTAATATAAGAATCACTAAATATT[G>C]TGTTACTTTTGTTCTTTGATGTTAATTTTTTATAAGAACTCTTAGTTTGGGATATAAATG-3'
Protein context (NP_955452.3, residues 932-952): KKLTSKNKSN[Thr942Arg]IFSDSYIKHS